The following is an entry in ClinVar:

NM_002693.3(POLG):c.2724C>T (p.Ala908=)

Gene: POLG (DNA polymerase gamma, catalytic subunit; minus strand). Cytogenetic location: 15q26.1.
Variant type: single nucleotide variant.
Coding change: c.2724C>T on transcript NM_002693.3 (MANE Select); coding-DNA position 2724, C replaced by T.
Protein change: p.Ala908=; no amino-acid change (alanine 908 retained).
Molecular consequence: synonymous variant.
Genome position (GRCh38, 1-based): chr15:89,321,135, G>A on the plus strand (C>T on the coding strand, the complement: POLG is on the minus strand). VCF-style: chr15-89321135-G-A. GRCh37 (hg19) VCF-style: chr15-89864366-G-A.
Other names: p.A908A:GCC>GCT; c.2724C>T, p.Ala908= (NM_001126131.2).
Identifiers: ClinVar variation 194733 (VCV000194733.29), dbSNP rs377390914, ClinGen allele CA240872.

ClinVar aggregate classification (germline): Conflicting classifications of pathogenicity. Review status: criteria provided, conflicting classifications (1 of 4 stars). 9 submissions from 9 submitters: Uncertain significance (3); Benign (1); Likely benign (4). 1 of the submissions does not count toward it. Last evaluated 2026-01-28.

Conditions:
POLG-related disorder. Also called: POLG-Related Spectrum Disorders; POLG-related condition; POLG-Related Disorders. Identifiers: MedGen C4763519.
Inborn genetic diseases. Identifiers: MedGen C0950123, MeSH D030342.
Progressive sclerosing poliodystrophy (MTDPS4A). Also called: Mitochondrial DNA Depletion Syndrome 4A; Alpers-Huttenlocher Syndrome; ALPERS DIFFUSE DEGENERATION OF CEREBRAL GRAY MATTER WITH HEPATIC CIRRHOSIS; ALPERS PROGRESSIVE INFANTILE POLIODYSTROPHY; Alpers Syndrome; Mitochondrial DNA depletion syndrome 4A (Alpers type). Identifiers: Orphanet 726, MedGen C0205710, MONDO:0008758, OMIM 203700.

Allele frequency attached by ClinVar (database versions not stated): ESP Exome Variant Server 0.00008; gnomAD 0.00008 and 0.00010; ExAC 0.00009; TOPMed 0.00009; gnomAD exomes 0.00011 and 0.00015.
gnomAD v4.1: 228 of 1,614,104 alleles (0.014%); highest among the groups gnomAD compares: Non-Finnish European, 0.018%; no homozygotes.

Submissions (9):

Labcorp Genetics (formerly Invitae), Labcorp
Classification: Likely benign for Progressive sclerosing poliodystrophy. Last evaluated: 2026-01-28. Review status: criteria provided, single submitter. Criteria: Invitae Variant Classification Sherloc (09022015). Collection method: clinical testing. Allele origin: germline.

Blueprint Genetics
Classification: Likely benign. Last evaluated: 2024-10-21. Review status: criteria provided, single submitter. Criteria: ACMG Guidelines, 2015. Collection method: clinical testing. Allele origin: germline.

Athena Diagnostics
Classification: Likely benign. Last evaluated: 2020-05-06. Review status: criteria provided, single submitter. Criteria: Athena Diagnostics Criteria. Collection method: clinical testing. Allele origin: unknown.

Ambry Genetics
Classification: Likely benign for Inborn genetic diseases. Last evaluated: 2018-01-19. Review status: criteria provided, single submitter. Criteria: Ambry Variant Classification Scheme 2023. Collection method: clinical testing. Allele origin: germline.

Illumina Laboratory Services, Illumina
Classification: Uncertain significance for POLG-Related Spectrum Disorders. Last evaluated: 2018-01-13. Review status: criteria provided, single submitter. Criteria: ICSL Variant Classification Criteria 13 December 2019. Collection method: clinical testing. Allele origin: germline.

Eurofins Ntd Llc (ga)
Classification: Uncertain significance. Last evaluated: 2015-01-04. Review status: criteria provided, single submitter. Criteria: EGL Classification Definitions 2015. Collection method: clinical testing. Allele origin: germline. Observed: 2 variant alleles, 2 heterozygotes.

Genetic Services Laboratory, University of Chicago
Classification: Uncertain significance. Last evaluated: 2014-11-13. Review status: criteria provided, single submitter. Criteria: ACMG Guidelines, 2015. Collection method: clinical testing. Allele origin: germline.

GeneDx
Classification: Benign. Last evaluated: 2014-09-10. Review status: criteria provided, single submitter. Criteria: GeneDx Variant Classification (06012015). Collection method: clinical testing. Allele origin: germline. Affected: yes.
Comment: This variant is considered likely benign or benign based on one or more of the following criteria: it is a conservative change, it occurs at a poorly conserved position in the protein, it is predicted to be benign by multiple in silico algorithms, and/or has population frequency not consistent with disease.

Mayo Clinic Laboratories, Mayo Clinic
Classification: Likely benign. Last evaluated: 2016-02-25. Review status: no assertion criteria provided. Collection method: clinical testing. Allele origin: unknown. Not counted in ClinVar's aggregate classification.

Literature cited by the submitters: PubMed 28958595 (cited by Athena Diagnostics).